The following is an entry in ClinVar:

ClinVar aggregate classification (germline): Uncertain significance (1 of 4 stars; one submission).

Conditions:
Melanoma, cutaneous malignant, susceptibility to, 5. Also called: Cutaneous malignant melanoma 5. Identifiers: Orphanet 618, MedGen C2751295, MONDO:0013133, OMIM 613099.

Allele frequency attached by ClinVar (database versions not stated): TOPMed below 0.00001; ExAC 0.00001; gnomAD exomes 0.00001; gnomAD 0.00002.

Submission:

Labcorp Genetics (formerly Invitae), Labcorp
Classification: Uncertain significance for Melanoma, cutaneous malignant, susceptibility to, 5. Last evaluated: 2021-12-29. Review status: criteria provided, single submitter. Criteria: Invitae Variant Classification Sherloc (09022015). Collection method: clinical testing. Allele origin: germline.
Comment: In summary, the available evidence is currently insufficient to determine the role of this variant in disease. Therefore, it has been classified as a Variant of Uncertain Significance. This variant has not been reported in the literature in individuals affected with MC1R-related conditions. This variant is present in population databases (rs776046156, gnomAD 0.0009%). This sequence change creates a premature translational stop signal (p.Arg229Alafs*85) in the MC1R gene. While this is not anticipated to result in nonsense mediated decay, it is expected to disrupt the last 89 amino acid(s) of the MC1R protein.

NM_002386.4(MC1R):c.685del (p.Arg229fs)

Gene: MC1R (melanocortin 1 receptor; plus strand). Cytogenetic location: 16q24.3.
Variant type: Deletion.
Coding change: c.685del on transcript NM_002386.4 (MANE Select); coding-DNA position 685, one base deleted (C; older notation c.685delC).
Protein change: p.Arg229fs; shifts the reading frame from arginine 229.
Molecular consequence: frameshift variant.
Genome position (GRCh38, 1-based): chr16:89,919,943, C deleted. VCF-style (leftmost placement, unchanged base first): chr16-89919942-GC-G. GRCh37 (hg19) VCF-style: chr16-89986350-GC-G.
Other names: short protein forms R229fs.
Identifiers: ClinVar variation 1936343 (VCV001936343.5), dbSNP rs776046156, ClinGen allele CA8255711.